The following is an entry in ClinVar:

NM_000138.5(FBN1):c.6872-956T>C

Gene: FBN1 (fibrillin 1; minus strand). Cytogenetic location: 15q21.1.
Variant type: single nucleotide variant.
Coding change: c.6872-956T>C on transcript NM_000138.5 (MANE Select); 956 bases into the intron before coding-DNA position 6872, T replaced by C.
Molecular consequence: intron variant.
Genome position (GRCh38, 1-based): chr15:48,429,427, A>G on the plus strand (T>C on the coding strand, the complement: FBN1 is on the minus strand). VCF-style: chr15-48429427-A-G. GRCh37 (hg19) VCF-style: chr15-48721624-A-G.
Other names: p.?; c.6872-956T>C (NM_000138.4).
Identifiers: ClinVar variation 994333 (VCV000994333.12), dbSNP rs766567890, ClinGen allele CA269522225.
Genomic context (GRCh38, chr15:48,429,427, plus strand): 5'-ATAAACTACAACTCAGTTTCCCAGGTTTAAAAAAACATTAAAATATCTACAGATTCTTAG[A>G]ATTATCTGATGATTATTTAGAAAGATCAAAAATAATTTGCTGAGGTGCTTCCCTTCCTTT-3'

ClinVar aggregate classification (germline): Likely benign. Review status: criteria provided, multiple submitters, no conflicts (2 of 4 stars). 4 submissions from 4 submitters: Likely benign (3). 1 of the submissions does not count toward it. Last evaluated 2025-10-24.

Conditions:
FBN1-related disorder. Also called: FBN1-related disorders.

Allele frequency attached by ClinVar (database versions not stated): gnomAD 0.00021 and 0.00022; TOPMed 0.00022.
gnomAD v4.1: 31 of 152,206 alleles (0.02%); highest among the groups gnomAD compares: Non-Finnish European, 0.037%; no homozygotes.

Submissions (4):

Mayo Clinic Laboratories, Mayo Clinic
Classification: Likely benign. Last evaluated: 2025-10-24. Review status: criteria provided, single submitter. Criteria: ACMG Guidelines, 2015. Collection method: clinical testing. Allele origin: germline. Observed: 1 variant allele.
Comment: BP4, BP7

Blueprint Genetics
Classification: Likely benign. Last evaluated: 2024-11-04. Review status: criteria provided, single submitter. Criteria: ACMG Guidelines, 2015. Collection method: clinical testing. Allele origin: germline.

ARUP Laboratories, Molecular Genetics and Genomics, ARUP Laboratories
Classification: Likely benign. Last evaluated: 2020-05-01. Review status: criteria provided, single submitter. Criteria: ARUP Molecular Germline Variant Investigation Process. Collection method: clinical testing. Allele origin: germline.

PreventionGenetics, part of Exact Sciences
Classification: Likely benign for FBN1-related condition. Last evaluated: 2021-02-02. Review status: no assertion criteria provided. Collection method: clinical testing. Allele origin: germline. Not counted in ClinVar's aggregate classification.
Comment: This variant is classified as likely benign based on ACMG/AMP sequence variant interpretation guidelines (Richards et al. 2015 PMID: 25741868, with internal and published modifications).